The following is an entry in ClinVar:

NM_001164508.2(NEB):c.14098-10C>T

Gene: NEB (nebulin; minus strand). Cytogenetic location: 2q23.3.
Variant type: single nucleotide variant.
Coding change: c.14098-10C>T on transcript NM_001164508.2 (MANE Select); 10 bases into the intron before coding-DNA position 14098, C replaced by T.
Molecular consequence: intron variant.
Genome position (GRCh38, 1-based): chr2:151,596,177, G>A on the plus strand (C>T on the coding strand, the complement: NEB is on the minus strand). VCF-style: chr2-151596177-G-A. GRCh37 (hg19) VCF-style: chr2-152452691-G-A.
Other names: c.11601+13632C>T (NM_004543.5); c.14098-10C>T (NM_001164507.2, NM_001271208.2).
Identifiers: ClinVar variation 385687 (VCV000385687.1), dbSNP rs1057522300, ClinGen allele CA16603854.
Genomic context (GRCh38, chr2:151,596,177, plus strand): 5'-TATGTCATAGCCTTTCTGCTTGGTGTCATTCCAGTCTTTTTGGTAGAGTTTCTATAGAGG[G>A]AAAATAAAGGTTTGTTTACAAGAATGGAAAAATAAGCAAATTTACTCAAATTTGTCATAA-3'

ClinVar aggregate classification (germline): Likely benign (1 of 4 stars; one submission).

Submission:

GeneDx
Classification: Likely benign. Last evaluated: 2016-04-28. Review status: criteria provided, single submitter. Criteria: GeneDx Variant Classification (06012015). Collection method: clinical testing. Allele origin: germline. Affected: yes.
Comment: This variant is considered likely benign or benign based on one or more of the following criteria: it is a conservative change, it occurs at a poorly conserved position in the protein, it is predicted to be benign by multiple in silico algorithms, and/or has population frequency not consistent with disease.